The following is an entry in ClinVar:

NM_021830.5(TWNK):c.1427A>T (p.Asp476Val)

Gene: TWNK (twinkle mtDNA helicase; plus strand). Cytogenetic location: 10q24.31.
Variant type: single nucleotide variant.
Coding change: c.1427A>T on transcript NM_021830.5 (MANE Select); coding-DNA position 1427, A replaced by T.
Protein change: p.Asp476Val; replaces aspartic acid 476 with valine.
Molecular consequence: missense variant. On other transcripts: non-coding transcript variant (5).
Genome position (GRCh38, 1-based): chr10:100,989,827, A>T. VCF-style: chr10-100989827-A-T. GRCh37 (hg19) VCF-style: chr10-102749584-A-T.
Other names: c.1427A>T, p.Asp476Val (NM_001163812.2); c.65A>T, p.Asp22Val (NM_001163813.2, NM_001163814.2, NM_001368275.1); short protein forms D476V, D22V.
Identifiers: ClinVar variation 1967727 (VCV001967727.5), dbSNP rs1590020531, ClinGen allele CA378210883.
Genomic context (GRCh38, chr10:100,989,827, plus strand): 5'-TGACACAGTTTGCCGAGGGGCGGCTGGAAGATCAACTGGACAAATATGATCACTGGGCTG[A>T]CCGCTTTGAGGACCTGCCCCTCTATTTCATGACTTTCCATGGACAGCAAAGCATCAGGTG-3'
Protein context (NP_068602.2, residues 466-486): DQLDKYDHWA[Asp476Val]RFEDLPLYFM

ClinVar aggregate classification (germline): Uncertain significance (1 of 4 stars; one submission).

Submission:

Labcorp Genetics (formerly Invitae), Labcorp
Classification: Uncertain significance. Last evaluated: 2024-06-20. Review status: criteria provided, single submitter. Criteria: Invitae Variant Classification Sherloc (09022015). Collection method: clinical testing. Allele origin: germline.
Comment: This sequence change replaces aspartic acid, which is acidic and polar, with valine, which is neutral and non-polar, at codon 476 of the TWNK protein (p.Asp476Val). This variant is not present in population databases (gnomAD no frequency). This variant has not been reported in the literature in individuals affected with TWNK-related conditions. ClinVar contains an entry for this variant (Variation ID: 1967727). Advanced modeling of protein sequence and biophysical properties (such as structural, functional, and spatial information, amino acid conservation, physicochemical variation, residue mobility, and thermodynamic stability) performed at Invitae indicates that this missense variant is expected to disrupt TWNK protein function with a positive predictive value of 95%. In summary, the available evidence is currently insufficient to determine the role of this variant in disease. Therefore, it has been classified as a Variant of Uncertain Significance.